The following is an entry in ClinVar:

NM_001372044.2(SHANK3):c.4749G>A (p.Thr1583=)

Gene: SHANK3 (SH3 and multiple ankyrin repeat domains 3; plus strand). Cytogenetic location: 22q13.33.
Variant type: single nucleotide variant.
Coding change: c.4749G>A on transcript NM_001372044.2 (MANE Select); coding-DNA position 4749, G replaced by A.
Protein change: p.Thr1583=; no amino-acid change (threonine 1583 retained).
Molecular consequence: synonymous variant.
Genome position (GRCh38, 1-based): chr22:50,722,357, G>A. VCF-style: chr22-50722357-G-A. GRCh37 (hg19) VCF-style: chr22-51160785-G-A.
Other names: c.4524G>A, p.Thr1508= (NM_033517.1).
Identifiers: ClinVar variation 1695055 (VCV001695055.31), dbSNP rs751058928, ClinGen allele CA10326301.

ClinVar aggregate classification (germline): Likely benign (1 of 4 stars; one submission).

Allele frequency attached by ClinVar (database versions not stated): ExAC 0.00001; gnomAD exomes 0.00001; TOPMed 0.00001.

Submission:

CeGaT Center for Human Genetics Tuebingen
Classification: Likely benign. Last evaluated: 2022-04-01. Review status: criteria provided, single submitter. Criteria: CeGaT Center For Human Genetics Tuebingen Variant Classification Criteria Version 2. Collection method: clinical testing. Allele origin: germline. Affected: yes. Observed: 1 variant allele.
Comment: SHANK3: BP4, BP7